The following is an entry in ClinVar:

NM_000444.6(PHEX):c.423del (p.Cys142fs)

Gene: PHEX (phosphate regulating endopeptidase X-linked; plus strand). Cytogenetic location: Xp22.11.
Variant type: Deletion.
Coding change: c.423del on transcript NM_000444.6 (MANE Select); coding-DNA position 423, one base deleted (C; older notation c.423delC).
Protein change: p.Cys142fs; shifts the reading frame from cysteine 142.
Molecular consequence: frameshift variant.
Genome position (GRCh38, 1-based): chrX:22,076,461, C deleted; the last of 2 consecutive C bases (chrX:22,076,460-22,076,461); deleting either gives the same sequence. VCF-style (leftmost placement, unchanged base first): chrX-22076459-TC-T. GRCh37 (hg19) VCF-style: chrX-22094577-TC-T.
Other names: c.423del, p.Cys142fs (NM_001282754.2); short protein forms C142fs.
Identifiers: ClinVar variation 1071087 (VCV001071087.9), dbSNP rs2147019260, ClinGen allele CA2499226562.
Genomic context (GRCh38, chrX:22,076,459, plus strand): 5'-AAATCAATCAGTAGAAGGCGGGACACCGAAGCCATACAGAAAGCCAAAATCCTTTATTCA[TC>T]CTGCATGAATGAGAGTGAGTGATGAAGAAAACTAAATAAAATATTTACCATCCCTATCCT-3'

ClinVar aggregate classification (germline): Pathogenic (1 of 4 stars; one submission).

Submission:

Labcorp Genetics (formerly Invitae), Labcorp
Classification: Pathogenic. Last evaluated: 2020-01-03. Review status: criteria provided, single submitter. Criteria: Invitae Variant Classification Sherloc (09022015). Collection method: clinical testing. Allele origin: germline.
Comment: This sequence change creates a premature translational stop signal (p.Cys142Alafs*2) in the PHEX gene. It is expected to result in an absent or disrupted protein product. For these reasons, this variant has been classified as Pathogenic. Loss-of-function variants in PHEX are known to be pathogenic (PMID: 9097956, 9106524, 19219621). This variant has been observed in individual(s) with hypophosphatemia (Invitae). This variant is not present in population databases (ExAC no frequency).

Literature cited by the submitters: PubMed 9097956; PubMed 9106524; PubMed 19219621.